The following is an entry in ClinVar:

NM_000185.4(SERPIND1):c.437A>T (p.Asn146Ile)

Genes: PI4KA (phosphatidylinositol 4-kinase alpha; minus strand), SERPIND1 (serpin family D member 1; plus strand). Cytogenetic location: 22q11.21.
Variant type: single nucleotide variant.
Coding change: c.437A>T on transcript NM_000185.4 (MANE Select); coding-DNA position 437, A replaced by T.
Protein change: p.Asn146Ile; replaces asparagine 146 with isoleucine.
Molecular consequence: missense variant. On other transcripts: intron variant (3).
Genome position (GRCh38, 1-based): chr22:20,779,749, A>T. VCF-style: chr22-20779749-A-T. GRCh37 (hg19) VCF-style: chr22-21134037-A-T.
Other names: c.2262+13444T>A (NM_001362863.2); c.2328+13444T>A (NM_001362862.2, NM_058004.4); short protein forms N146I.
Identifiers: ClinVar variation 3067218 (VCV003067218.22), dbSNP rs202123183, ClinGen allele CA10115884.

ClinVar aggregate classification (germline): Conflicting classifications of pathogenicity. Review status: criteria provided, conflicting classifications (1 of 4 stars). 2 submissions from 2 submitters: Uncertain significance (1); Likely benign (1). Last evaluated 2025-05-25.

Allele frequency attached by ClinVar (database versions not stated): TOPMed 0.00010; gnomAD 0.00012; 1000 Genomes Project 30x 0.00016; gnomAD exomes 0.00018; 1000 Genomes Project 0.00020; ExAC 0.00026.
gnomAD v4.1: 288 of 1,614,240 alleles (0.018%); highest among the groups gnomAD compares: Middle Eastern, 0.18%; 2 homozygotes.

Submissions (2):

GeneDx
Classification: Uncertain significance. Last evaluated: 2025-05-25. Review status: criteria provided, single submitter. Criteria: GeneDx Variant Classification Process June 2021. Collection method: clinical testing. Allele origin: germline. Affected: yes.
Comment: In silico analysis supports that this missense variant has a deleterious effect on protein structure/function; Has not been previously published as pathogenic or benign to our knowledge

CeGaT Center for Human Genetics Tuebingen
Classification: Likely benign. Last evaluated: 2024-03-01. Review status: criteria provided, single submitter. Criteria: CeGaT Center For Human Genetics Tuebingen Variant Classification Criteria Version 2. Collection method: clinical testing. Allele origin: germline. Affected: yes. Observed: 1 variant allele.
Comment: SERPIND1: BS1